The following is an entry in ClinVar:

ClinVar aggregate classification (germline): Uncertain significance (1 of 4 stars; one submission).

Allele frequency attached by ClinVar (database versions not stated): gnomAD 0.00001; gnomAD exomes 0.00001 and 0.00003; TOPMed 0.00002; ExAC 0.00003; 1000 Genomes Project 30x 0.00031; 1000 Genomes Project 0.00040.

Submission:

Labcorp Genetics (formerly Invitae), Labcorp
Classification: Uncertain significance. Last evaluated: 2025-08-09. Review status: criteria provided, single submitter. Criteria: Invitae Variant Classification Sherloc (09022015). Collection method: clinical testing. Allele origin: germline.
Comment: This sequence change replaces serine, which is neutral and polar, with leucine, which is neutral and non-polar, at codon 360 of the IMPDH1 protein (p.Ser360Leu). This variant is present in population databases (rs72624960, gnomAD 0.03%). This variant has not been reported in the literature in individuals affected with IMPDH1-related conditions. ClinVar contains an entry for this variant (Variation ID: 1039069). An algorithm developed to predict the effect of missense changes on protein structure and function (PolyPhen-2) suggests that this variant is likely to be disruptive. In summary, the available evidence is currently insufficient to determine the role of this variant in disease. Therefore, it has been classified as a Variant of Uncertain Significance.

NM_000883.4(IMPDH1):c.1079C>T (p.Ser360Leu)

Gene: IMPDH1 (inosine monophosphate dehydrogenase 1; minus strand). Cytogenetic location: 7q32.1.
Variant type: single nucleotide variant.
Coding change: c.1079C>T on transcript NM_000883.4 (MANE Select); coding-DNA position 1079, C replaced by T.
Protein change: p.Ser360Leu; replaces serine 360 with leucine.
Molecular consequence: missense variant.
Genome position (GRCh38, 1-based): chr7:128,397,018, G>A on the plus strand (C>T on the coding strand, the complement: IMPDH1 is on the minus strand). VCF-style: chr7-128397018-G-A. GRCh37 (hg19) VCF-style: chr7-128037072-G-A.
Other names: c.1049C>T, p.Ser350Leu (NM_001102605.2); c.824C>T, p.Ser275Leu (NM_001142573.2); c.809C>T, p.Ser270Leu (NM_001142574.2); c.749C>T, p.Ser250Leu (NM_001142575.2); c.980C>T, p.Ser327Leu (NM_001142576.2); c.872C>T, p.Ser291Leu (NM_001304521.2); c.971C>T, p.Ser324Leu (NM_183243.3); short protein forms S270L, S275L, S324L, S327L, S250L, S291L, S350L, S360L.
Identifiers: ClinVar variation 1039069 (VCV001039069.10), dbSNP rs72624960, ClinGen allele CA4470948.